The following is an entry in ClinVar:

NM_006702.4(PNPLA6):c.3916_3918delGAG

Gene: PNPLA6 (patatin like domain 6, lysophospholipase; plus strand). Cytogenetic location: 19p13.2.
Variant type: Microsatellite.
Coding change: c.3916_3918delGAG on transcript NM_006702.4; coding-DNA positions 3916 to 3918, 3 bases deleted (GAG).
Genome position (GRCh38, 1-based): chr19:7,561,494-7,561,496, GAG deleted; deleting any 3 consecutive bases within chr19:7,561,486-7,561,496 gives the same sequence; the c. name uses the placement nearest the transcript's 3' end. VCF-style (leftmost placement, unchanged base first): chr19-7561485-CAGG-C. GRCh37 (hg19) VCF-style: chr19-7626371-CAGG-C.
Other names: c.3916_3918del (NM_006702.4).
Identifiers: ClinVar variation 698919 (VCV000698919.17), dbSNP rs532776939, ClinGen allele CA9140689.

ClinVar aggregate classification (germline): Conflicting classifications of pathogenicity. Review status: criteria provided, conflicting classifications (1 of 4 stars). 4 submissions from 4 submitters: Uncertain significance (2); Likely benign (2). Last evaluated 2026-01-11.

Conditions:
Hereditary spastic paraplegia 39 (SPG39). Also called: SPASTIC PARAPLEGIA 39, AUTOSOMAL RECESSIVE; Spastic Paraplegia Type 39 (SPG39). Identifiers: Orphanet 139480, MedGen C2677586, MONDO:0012787, OMIM 612020.
Hereditary spastic paraplegia. Also called: Familial spastic paraparesis. Identifiers: Orphanet 685, MedGen C0037773, MONDO:0019064. Disease mechanism: loss of function.

Submissions (4):

Labcorp Genetics (formerly Invitae), Labcorp
Classification: Likely benign for Hereditary spastic paraplegia 39. Last evaluated: 2026-01-11. Review status: criteria provided, single submitter. Criteria: Invitae Variant Classification Sherloc (09022015). Collection method: clinical testing. Allele origin: germline.

Athena Diagnostics
Classification: Likely benign. Last evaluated: 2025-06-17. Review status: criteria provided, single submitter. Criteria: Athena Diagnostics Criteria. Collection method: clinical testing. Allele origin: unknown.
Comment: The frequency of this variant in the general population is higher than would generally be expected for pathogenic variants in this gene.

Blueprint Genetics
Classification: Uncertain significance. Last evaluated: 2024-04-03. Review status: criteria provided, single submitter. Criteria: ACMG Guidelines, 2015. Collection method: clinical testing. Allele origin: germline.

Genome Diagnostics Laboratory, The Hospital for Sick Children
Classification: Uncertain significance for Hereditary spastic paraplegia. Last evaluated: 2018-06-01. Review status: criteria provided, single submitter. Criteria: ACMG Guidelines, 2015. Collection method: clinical testing. Allele origin: germline. Affected: yes.

Literature cited by the submitters: PubMed 26046366 (cited by Athena Diagnostics).